The following is an entry in ClinVar:

ClinVar aggregate classification (germline): Uncertain significance. Review status: criteria provided, single submitter (1 of 4 stars). 2 submissions from 2 submitters: Uncertain significance (1). 1 of the submissions does not count toward it. Last evaluated 2025-04-16.

Conditions:
Intellectual developmental disorder, X-linked, syndromic 37. Identifiers: MedGen C5935567, MONDO:0958322, OMIM 301118.

Submissions (2):

GeneDx
Classification: Uncertain significance. Last evaluated: 2025-04-16. Review status: criteria provided, single submitter. Criteria: GeneDx Variant Classification Process June 2021. Collection method: clinical testing. Allele origin: germline. Affected: yes.
Comment: Not observed at significant frequency in large population cohorts (gnomAD); In silico analysis supports that this missense variant has a deleterious effect on protein structure/function; Has not been previously published as pathogenic or benign to our knowledge

Molecular Genetics Laboratory, Biobizkaia Health Research Institute
Classification: Uncertain significance for Intellectual developmental disorder, X-linked, syndromic 37. Review status: no assertion criteria provided. Collection method: research. Allele origin: maternal. Affected: yes. Observed: 1 heterozygote. Not counted in ClinVar's aggregate classification.
Comment: The NM_003410.4 c.1606C>T, is a missense variant in ZFX. This variant is not present in gnomAD (PM2_sup; version 2.1.1) and is a missense variant in a gene with low rate of benign missense variants and for which missense variant is a common mechanism of a disease (PP2). In summary, this variant meets criteria to be classified as of uncertain significance based on the ACMG/AMP criteria applied: PM2_sup, PP2_sup.

NM_003410.4(ZFX):c.1606C>T (p.Arg536Cys)

Gene: ZFX (zinc finger protein X-linked; plus strand). Cytogenetic location: Xp22.11.
Variant type: single nucleotide variant.
Coding change: c.1606C>T on transcript NM_003410.4 (MANE Select); coding-DNA position 1606, C replaced by T.
Protein change: p.Arg536Cys; replaces arginine 536 with cysteine.
Molecular consequence: missense variant. On other transcripts: 3 prime UTR variant (1).
Genome position (GRCh38, 1-based): chrX:24,210,564, C>T. VCF-style: chrX-24210564-C-T. GRCh37 (hg19) VCF-style: chrX-24228681-C-T.
Other names: c.1606C>T, p.Arg536Cys (NM_001178084.2, NM_001178085.1); c.919C>T, p.Arg307Cys (NM_001178086.2); c.*366C>T (NM_001178095.2); c.1723C>T, p.Arg575Cys (NM_001330327.2); short protein forms R307C, R536C, R575C.
Identifiers: ClinVar variation 3770241 (VCV003770241.3).